The following is an entry in ClinVar:

NM_007215.4(POLG2):c.812C>A (p.Ser271Tyr)

Genes: MILR1 (mast cell immunoglobulin like receptor 1; plus strand), POLG2 (DNA polymerase gamma 2, accessory subunit; minus strand). Cytogenetic location: 17q23.3.
Variant type: single nucleotide variant.
Coding change: c.812C>A on transcript NM_007215.4 (MANE Select); coding-DNA position 812, C replaced by A.
Protein change: p.Ser271Tyr; replaces serine 271 with tyrosine.
Molecular consequence: missense variant.
Genome position (GRCh38, 1-based): chr17:64,490,953, G>T on the plus strand (C>A on the coding strand, the complement: POLG2 is on the minus strand). VCF-style: chr17-64490953-G-T. GRCh37 (hg19) VCF-style: chr17-62487070-G-T.
Other names: short protein forms S271Y.
Identifiers: ClinVar variation 3900939 (VCV003900939.1).

ClinVar aggregate classification (germline): Uncertain significance (1 of 4 stars; one submission).

Submission:

GeneDx
Classification: Uncertain significance. Last evaluated: 2024-11-28. Review status: criteria provided, single submitter. Criteria: GeneDx Variant Classification Process June 2021. Collection method: clinical testing. Allele origin: germline. Affected: yes.
Comment: Not observed at significant frequency in large population cohorts (gnomAD); In silico analysis supports that this missense variant has a deleterious effect on protein structure/function; Has not been previously published as pathogenic or benign to our knowledge